The following is an entry in ClinVar:

NM_024844.5(NUP85):c.742A>G (p.Thr248Ala)

Gene: NUP85 (nucleoporin 85; plus strand). Cytogenetic location: 17q25.1.
Variant type: single nucleotide variant.
Coding change: c.742A>G on transcript NM_024844.5 (MANE Select); coding-DNA position 742, A replaced by G.
Protein change: p.Thr248Ala; replaces threonine 248 with alanine.
Molecular consequence: missense variant.
Genome position (GRCh38, 1-based): chr17:75,225,351, A>G. VCF-style: chr17-75225351-A-G. GRCh37 (hg19) VCF-style: chr17-73221446-A-G.
Other names: p.Thr248Ala; c.604A>G, p.Thr202Ala (NM_001303276.2); c.607A>G, p.Thr203Ala (NM_001330472.2); c.742A>G (NM_024844.4); short protein forms T202A, T203A, T248A.
Identifiers: ClinVar variation 1657786 (VCV001657786.12), dbSNP rs141178315, ClinGen allele CA8758602.

ClinVar aggregate classification (germline): Benign. Review status: criteria provided, multiple submitters, no conflicts (2 of 4 stars). 4 submissions from 4 submitters: Benign (3). 1 of the submissions does not count toward it. Last evaluated 2026-01-01.

Conditions:
NUP85-related disorder. Also called: NUP85-related condition.

Allele frequency attached by ClinVar (database versions not stated): ESP Exome Variant Server 0.00123; gnomAD 0.00152 and 0.00227; TOPMed 0.00176; gnomAD exomes 0.00235 and 0.00417; ExAC 0.00446; 1000 Genomes Project 30x 0.00609; 1000 Genomes Project 0.00619.
gnomAD v4.1: 3,828 of 1,614,152 alleles (0.24%); highest among the groups gnomAD compares: South Asian, 2.3%; 49 homozygotes.

Submissions (4):

Labcorp Genetics (formerly Invitae), Labcorp
Classification: Benign. Last evaluated: 2026-01-01. Review status: criteria provided, single submitter. Criteria: Invitae Variant Classification Sherloc (09022015). Collection method: clinical testing. Allele origin: germline.

Mayo Clinic Laboratories, Mayo Clinic
Classification: Benign. Last evaluated: 2024-10-31. Review status: criteria provided, single submitter. Criteria: ACMG Guidelines, 2015. Collection method: clinical testing. Allele origin: germline. Observed: 1 variant allele.
Comment: BS1, BS2, BP4

Breakthrough Genomics
Classification: Benign. Review status: criteria provided, single submitter. Criteria: ACMG Guidelines, 2015. Collection method: not provided. Allele origin: germline. Inheritance: Autosomal recessive inheritance. Affected: yes.

PreventionGenetics, part of Exact Sciences
Classification: Benign for NUP85-related condition. Last evaluated: 2019-02-22. Review status: no assertion criteria provided. Collection method: clinical testing. Allele origin: germline. Not counted in ClinVar's aggregate classification.
Comment: This variant is classified as benign based on ACMG/AMP sequence variant interpretation guidelines (Richards et al. 2015 PMID: 25741868, with internal and published modifications).